The following is an entry in ClinVar:

ClinVar aggregate classification (germline): Uncertain significance (1 of 4 stars; one submission).

Conditions:
RASopathy. Also called: rasopathies; Noonan spectrum disorder. Identifiers: Orphanet 536391, MedGen C5555857, MONDO:0021060.

Allele frequency attached by ClinVar (database versions not stated): gnomAD exomes below 0.00001.
gnomAD v4.1: 2 of 1,575,840 alleles (0.00013%); highest among the groups gnomAD compares: African/African-American, 0.0014%; no homozygotes.

Submission:

Labcorp Genetics (formerly Invitae), Labcorp
Classification: Uncertain significance for RASopathy. Last evaluated: 2025-02-24. Review status: criteria provided, single submitter. Criteria: Invitae Variant Classification Sherloc (09022015). Collection method: clinical testing. Allele origin: germline.
Comment: This sequence change replaces serine, which is neutral and polar, with proline, which is neutral and non-polar, at codon 17 of the CBL protein (p.Ser17Pro). The frequency data for this variant in the population databases is considered unreliable, as metrics indicate poor data quality at this position in the gnomAD database. This variant has not been reported in the literature in individuals affected with CBL-related conditions. ClinVar contains an entry for this variant (Variation ID: 2719792). Invitae Evidence Modeling of protein sequence and biophysical properties (such as structural, functional, and spatial information, amino acid conservation, physicochemical variation, residue mobility, and thermodynamic stability) indicates that this missense variant is not expected to disrupt CBL protein function with a negative predictive value of 95%. In summary, the available evidence is currently insufficient to determine the role of this variant in disease. Therefore, it has been classified as a Variant of Uncertain Significance.

NM_005188.4(CBL):c.49T>C (p.Ser17Pro)

Genes: CBL (Cbl proto-oncogene; plus strand), LOC130006895 (ATAC-STARR-seq lymphoblastoid silent region 3975; plus strand). Cytogenetic location: 11q23.3.
Variant type: single nucleotide variant.
Coding change: c.49T>C on transcript NM_005188.4 (MANE Select); coding-DNA position 49, T replaced by C.
Protein change: p.Ser17Pro; replaces serine 17 with proline.
Molecular consequence: missense variant.
Genome position (GRCh38, 1-based): chr11:119,206,466, T>C. VCF-style: chr11-119206466-T-C. GRCh37 (hg19) VCF-style: chr11-119077176-T-C.
Other names: short protein forms S17P.
Identifiers: ClinVar variation 2719792 (VCV002719792.3), dbSNP rs1357308168, ClinGen allele CA382975828.